The following is an entry in ClinVar:

ClinVar aggregate classification (germline): Uncertain significance (1 of 4 stars; one submission).

Submission:

GeneDx
Classification: Uncertain significance. Last evaluated: 2019-09-06. Review status: criteria provided, single submitter. Criteria: GeneDx Variant Classification Process June 2021. Collection method: clinical testing. Allele origin: germline. Affected: yes.
Comment: Not observed in large population cohorts (Lek et al., 2016); Nucleotide substitution has no predicted effect on splicing and is not conserved across species; Has not been previously published as pathogenic or benign to our knowledge

NM_001170629.2(CHD8):c.-6C>A

Gene: CHD8 (chromodomain helicase DNA binding protein 8; minus strand). Cytogenetic location: 14q11.2.
Variant type: single nucleotide variant.
Coding change: c.-6C>A on transcript NM_001170629.2 (MANE Select); 6 bases upstream of the start codon, C replaced by A.
Molecular consequence: 5 prime UTR variant. On other transcripts: intron variant (1).
Genome position (GRCh38, 1-based): chr14:21,431,649, G>T on the plus strand (C>A on the coding strand, the complement: CHD8 is on the minus strand). VCF-style: chr14-21431649-G-T. GRCh37 (hg19) VCF-style: chr14-21899808-G-T.
Other names: c.6+162C>A (NM_020920.4).
Identifiers: ClinVar variation 1220446 (VCV001220446.3), dbSNP rs2139540982, ClinGen allele CA2499222555.